The following is an entry in ClinVar:

NM_001136472.2(LITAF):c.269G>A (p.Arg90His)

Gene: LITAF (lipopolysaccharide induced TNF factor; minus strand). Cytogenetic location: 16p13.13.
Variant type: single nucleotide variant.
Coding change: c.269G>A on transcript NM_001136472.2 (MANE Select); coding-DNA position 269, G replaced by A.
Protein change: p.Arg90His; replaces arginine 90 with histidine.
Molecular consequence: missense variant. On other transcripts: non-coding transcript variant (1).
Genome position (GRCh38, 1-based): chr16:11,553,641, C>T on the plus strand (G>A on the coding strand, the complement: LITAF is on the minus strand). VCF-style: chr16-11553641-C-T. GRCh37 (hg19) VCF-style: chr16-11647497-C-T.
Other names: c.269G>A, p.Arg90His (NM_001136473.1, NM_004862.4); short protein forms R90H.
Identifiers: ClinVar variation 917116 (VCV000917116.9), dbSNP rs200789696, ClinGen allele CA7904095.

ClinVar aggregate classification (germline): Uncertain significance. Review status: criteria provided, multiple submitters, no conflicts (2 of 4 stars). 2 submissions from 2 submitters: Uncertain significance (2). Last evaluated 2024-09-29.

Conditions:
Charcot-Marie-Tooth disease. Also called: Charcot-Marie-Tooth Hereditary Neuropathy; Charcot-Marie-Tooth Neuropathy. Identifiers: Orphanet 166, MedGen C0007959, MONDO:0015626.
Charcot-Marie-Tooth disease type 1C. Also called: Charcot-Marie-Tooth disease, type IC; HMSN IC; CHARCOT-MARIE-TOOTH DISEASE, DEMYELINATING, TYPE 1C; CMT, SLOW NERVE CONDUCTION TYPE C; CHARCOT-MARIE-TOOTH NEUROPATHY, TYPE 1C; NEUROPATHY, HEREDITARY MOTOR AND SENSORY, TYPE IC. Identifiers: Orphanet 101083, MedGen C0270913, MONDO:0010995, OMIM 601098.

Allele frequency attached by ClinVar (database versions not stated): gnomAD 0.00001; TOPMed 0.00002.
gnomAD v4.1: 35 of 1,613,858 alleles (0.0022%); highest among the groups gnomAD compares: East Asian, 0.02%; no homozygotes.

Submissions (2):

Labcorp Genetics (formerly Invitae), Labcorp
Classification: Uncertain significance for Charcot-Marie-Tooth disease type 1C. Last evaluated: 2024-09-29. Review status: criteria provided, single submitter. Criteria: Invitae Variant Classification Sherloc (09022015). Collection method: clinical testing. Allele origin: germline.
Comment: This sequence change replaces arginine, which is basic and polar, with histidine, which is basic and polar, at codon 90 of the LITAF protein (p.Arg90His). This variant is present in population databases (rs200789696, gnomAD 0.02%). This missense change has been observed in individuals with clinical features of Charcot-Marie-Tooth disease (PMID: 20709679, 32376792; internal data). ClinVar contains an entry for this variant (Variation ID: 917116). An algorithm developed to predict the effect of missense changes on protein structure and function (PolyPhen-2) suggests that this variant is likely to be tolerated. In summary, the available evidence is currently insufficient to determine the role of this variant in disease. Therefore, it has been classified as a Variant of Uncertain Significance.

Molecular Genetics Laboratory, London Health Sciences Centre
Classification: Uncertain significance for Charcot-Marie-Tooth disease. Review status: criteria provided, single submitter. Criteria: ACMG Guidelines, 2015. Collection method: clinical testing. Allele origin: germline. Affected: yes.

Literature cited by the submitters: PubMed 20709679 (cited by Labcorp Genetics (formerly Invitae), Labcorp); PubMed 32376792 (cited by Labcorp Genetics (formerly Invitae), Labcorp).